The following is an entry in ClinVar:

ClinVar aggregate classification (germline): Uncertain significance (1 of 4 stars; one submission).

Conditions:
Autosomal dominant childhood-onset proximal spinal muscular atrophy with contractures (SMALED2A). Also called: SPINAL MUSCULAR ATROPHY, LOWER EXTREMITY-PREDOMINANT, 2A, CHILDHOOD ONSET, AUTOSOMAL DOMINANT; Spinal muscular atrophy, lower extremity-predominant, 2A, autosomal dominant. Identifiers: Orphanet 363447, Orphanet 363454, MedGen C4747715, MONDO:0014121, OMIM 615290.

Allele frequency attached by ClinVar (database versions not stated): TOPMed below 0.00001; ExAC 0.00001; gnomAD 0.00001; gnomAD exomes 0.00002.
gnomAD v4.1: 30 of 1,610,412 alleles (0.0019%); highest among the groups gnomAD compares: South Asian, 0.0033%; no homozygotes.

Submission:

Labcorp Genetics (formerly Invitae), Labcorp
Classification: Uncertain significance for Autosomal dominant childhood-onset proximal spinal muscular atrophy with contractures. Last evaluated: 2024-09-10. Review status: criteria provided, single submitter. Criteria: Invitae Variant Classification Sherloc (09022015). Collection method: clinical testing. Allele origin: germline.
Comment: This sequence change replaces glutamic acid, which is acidic and polar, with lysine, which is basic and polar, at codon 559 of the BICD2 protein (p.Glu559Lys). This variant is present in population databases (rs759941912, gnomAD 0.006%). This variant has not been reported in the literature in individuals affected with BICD2-related conditions. ClinVar contains an entry for this variant (Variation ID: 1365086). Invitae Evidence Modeling of protein sequence and biophysical properties (such as structural, functional, and spatial information, amino acid conservation, physicochemical variation, residue mobility, and thermodynamic stability) indicates that this missense variant is not expected to disrupt BICD2 protein function with a negative predictive value of 80%. In summary, the available evidence is currently insufficient to determine the role of this variant in disease. Therefore, it has been classified as a Variant of Uncertain Significance.

NM_001003800.2(BICD2):c.1675G>A (p.Glu559Lys)

Gene: BICD2 (BICD cargo adaptor 2; minus strand). Cytogenetic location: 9q22.31.
Variant type: single nucleotide variant.
Coding change: c.1675G>A on transcript NM_001003800.2 (MANE Select); coding-DNA position 1675, G replaced by A.
Protein change: p.Glu559Lys; replaces glutamic acid 559 with lysine.
Molecular consequence: missense variant.
Genome position (GRCh38, 1-based): chr9:92,718,970, C>T on the plus strand (G>A on the coding strand, the complement: BICD2 is on the minus strand). VCF-style: chr9-92718970-C-T. GRCh37 (hg19) VCF-style: chr9-95481252-C-T.
Other names: c.1675G>A, p.Glu559Lys (NM_015250.4); short protein forms E559K.
Identifiers: ClinVar variation 1365086 (VCV001365086.8), dbSNP rs759941912, ClinGen allele CA5126516.
Genomic context (GRCh38, chr9:92,718,970, plus strand): 5'-CACGCGCCTCGGGGCTGGTGCGGCCCCCGGGACTGGTGCGGCCGGCCCCGCCCTGGCCCT[C>T]GCGGTAGTAGTCCAGCATGACACGGTTGGGTGTCTCATTGTTGCACATGCACACGTGGTG-3'
Protein context (NP_001003800.1, residues 549-569): PNRVMLDYYR[Glu559Lys]GQGGAGRTSP